The following is an entry in ClinVar:

NM_000368.5(TSC1):c.3208G>A (p.Ala1070Thr)

Gene: TSC1 (TSC complex subunit 1; minus strand). Cytogenetic location: 9q34.13.
Variant type: single nucleotide variant.
Coding change: c.3208G>A on transcript NM_000368.5 (MANE Select); coding-DNA position 3208, G replaced by A.
Protein change: p.Ala1070Thr; replaces alanine 1070 with threonine.
Molecular consequence: missense variant. On other transcripts: non-coding transcript variant (5).
Genome position (GRCh38, 1-based): chr9:132,896,522, C>T on the plus strand (G>A on the coding strand, the complement: TSC1 is on the minus strand). VCF-style: chr9-132896522-C-T. GRCh37 (hg19) VCF-style: chr9-135771909-C-T.
Other names: c.3205G>A, p.Ala1069Thr (NM_001162426.2, NM_001406597.1, NM_001406598.1 and 2 more transcripts); c.3055G>A, p.Ala1019Thr (NM_001162427.2, NM_001406610.1); c.2845G>A, p.Ala949Thr (NM_001362177.2, NM_001406614.1, NM_001406615.1 and 4 more transcripts); c.3208G>A, p.Ala1070Thr (NM_001406592.1, NM_001406593.1, NM_001406594.1 and 2 more transcripts); c.3193G>A, p.Ala1065Thr (NM_001406601.1, NM_001406602.1); c.3190G>A, p.Ala1064Thr (NM_001406603.1, NM_001406604.1); c.3166G>A, p.Ala1056Thr (NM_001406605.1, NM_001406606.1, NM_001406607.1); c.3163G>A, p.Ala1055Thr (NM_001406608.1, NM_001406609.1); and 8 more; short protein forms A1004T, A948T, A1056T, A1064T, A753T, A1018T, A1019T, A1065T.
Identifiers: ClinVar variation 5031213 (VCV005031213.1).

ClinVar aggregate classification (germline): Uncertain significance (1 of 4 stars; one submission).

Conditions:
Hereditary cancer-predisposing syndrome. Also called: Neoplastic Syndromes, Hereditary; Tumor predisposition; Hereditary neoplastic syndrome; Hereditary Cancer Syndrome. Identifiers: Orphanet 140162, MedGen C0027672, MeSH D009386, MONDO:0015356.

Submission:

Ambry Genetics
Classification: Uncertain significance for Hereditary cancer-predisposing syndrome. Last evaluated: 2026-07-04. Review status: criteria provided, single submitter. Criteria: Ambry Variant Classification Scheme 2023. Collection method: clinical testing. Allele origin: germline.
Comment: The p.A1070T variant (also known as c.3208G>A), located in coding exon 21 of the TSC1 gene, results from a G to A substitution at nucleotide position 3208. The alanine at codon 1070 is replaced by threonine, an amino acid with similar properties. This amino acid position is conserved. In addition, this alteration is predicted to be tolerated by in silico analysis. Based on the available evidence, the clinical significance of this variant remains unclear.